The following is an entry in ClinVar:

ClinVar aggregate classification (germline): Uncertain significance (1 of 4 stars; one submission).

Allele frequency attached by ClinVar (database versions not stated): gnomAD 0.00001; gnomAD exomes 0.00001; TOPMed 0.00001; ExAC 0.00003.

Submission:

Labcorp Genetics (formerly Invitae), Labcorp
Classification: Uncertain significance. Last evaluated: 2022-06-06. Review status: criteria provided, single submitter. Criteria: Invitae Variant Classification Sherloc (09022015). Collection method: clinical testing. Allele origin: germline.
Comment: This sequence change replaces alanine, which is neutral and non-polar, with threonine, which is neutral and polar, at codon 123 of the RNASET2 protein (p.Ala123Thr). This variant is present in population databases (rs769927092, gnomAD 0.006%). This variant has not been reported in the literature in individuals affected with RNASET2-related conditions. Algorithms developed to predict the effect of missense changes on protein structure and function are either unavailable or do not agree on the potential impact of this missense change (SIFT: "Tolerated"; PolyPhen-2: "Probably Damaging"; Align-GVGD: "Class C0"). In summary, the available evidence is currently insufficient to determine the role of this variant in disease. Therefore, it has been classified as a Variant of Uncertain Significance.

NM_003730.6(RNASET2):c.367G>A (p.Ala123Thr)

Gene: RNASET2 (ribonuclease T2; minus strand). Cytogenetic location: 6q27.
Variant type: single nucleotide variant.
Coding change: c.367G>A on transcript NM_003730.6 (MANE Select); coding-DNA position 367, G replaced by A.
Protein change: p.Ala123Thr; replaces alanine 123 with threonine.
Molecular consequence: missense variant.
Genome position (GRCh38, 1-based): chr6:166,938,974, C>T on the plus strand (G>A on the coding strand, the complement: RNASET2 is on the minus strand). VCF-style: chr6-166938974-C-T. GRCh37 (hg19) VCF-style: chr6-167352462-C-T.
Other names: short protein forms A123T.
Identifiers: ClinVar variation 1964082 (VCV001964082.2), dbSNP rs769927092, ClinGen allele CA4095018.